The following is an entry in ClinVar:

NM_000080.4(CHRNE):c.883C>G (p.Pro295Ala)

Genes: C17orf107 (chromosome 17 open reading frame 107; plus strand), CHRNE (cholinergic receptor nicotinic epsilon subunit; minus strand). Cytogenetic location: 17p13.2.
Variant type: single nucleotide variant.
Coding change: c.883C>G on transcript NM_000080.4 (MANE Select); coding-DNA position 883, C replaced by G.
Protein change: p.Pro295Ala; replaces proline 295 with alanine.
Molecular consequence: missense variant. On other transcripts: 3 prime UTR variant (1).
Genome position (GRCh38, 1-based): chr17:4,900,827, G>C on the plus strand (C>G on the coding strand, the complement: CHRNE is on the minus strand). VCF-style: chr17-4900827-G-C. GRCh37 (hg19) VCF-style: chr17-4804122-G-C.
Other names: c.*294G>C (NM_001145536.2); short protein forms P295A.
Identifiers: ClinVar variation 2969085 (VCV002969085.3), dbSNP rs61735425, ClinGen allele CA397304398.
Genomic context (GRCh38, chr17:4,900,827, plus strand): 5'-CACCCCCGCGGGGGCTCCGGCTTCACCTGCCCAGGAGCGGCACGCTCAGAGAAGTCTCTG[G>C]GATTTTCTGGGCAATGAGGAACAAGAAGACGGTCTGGGCGAGCAGGACGTTGATGGAGAC-3'
Protein context (NP_000071.1, residues 285-305): VFLFLIAQKI[Pro295Ala]ETSLSVPLLG

ClinVar aggregate classification (germline): Uncertain significance (1 of 4 stars; one submission).

Conditions:
Congenital myasthenic syndrome 4A. Also called: Myasthenic syndrome, congenital, 4a, slow-channel; CONGENITAL MYASTHENIC SYNDROME TYPE Ia1; MYASTHENIC SYNDROME, CONGENITAL, 4A, SLOW-CHANNEL, AUTOSOMAL RECESSIVE. Identifiers: Orphanet 590, MedGen C4225413, MONDO:0011600, OMIM 605809.

Submission:

Labcorp Genetics (formerly Invitae), Labcorp
Classification: Uncertain significance for Congenital myasthenic syndrome 4A. Last evaluated: 2023-10-29. Review status: criteria provided, single submitter. Criteria: Invitae Variant Classification Sherloc (09022015). Collection method: clinical testing. Allele origin: germline.
Comment: This sequence change replaces proline, which is neutral and non-polar, with alanine, which is neutral and non-polar, at codon 295 of the CHRNE protein (p.Pro295Ala). This variant is not present in population databases (gnomAD no frequency). This variant has not been reported in the literature in individuals affected with CHRNE-related conditions. Advanced modeling of protein sequence and biophysical properties (such as structural, functional, and spatial information, amino acid conservation, physicochemical variation, residue mobility, and thermodynamic stability) performed at Invitae indicates that this missense variant is expected to disrupt CHRNE protein function with a positive predictive value of 95%. In summary, the available evidence is currently insufficient to determine the role of this variant in disease. Therefore, it has been classified as a Variant of Uncertain Significance.